The following is an entry in ClinVar:

NM_004369.4(COL6A3):c.3059C>A (p.Ala1020Glu)

Gene: COL6A3 (collagen type VI alpha 3 chain; minus strand). Cytogenetic location: 2q37.3.
Variant type: single nucleotide variant.
Coding change: c.3059C>A on transcript NM_004369.4 (MANE Select); coding-DNA position 3059, C replaced by A.
Protein change: p.Ala1020Glu; replaces alanine 1020 with glutamic acid.
Molecular consequence: missense variant.
Genome position (GRCh38, 1-based): chr2:237,376,783, G>T on the plus strand (C>A on the coding strand, the complement: COL6A3 is on the minus strand). VCF-style: chr2-237376783-G-T. GRCh37 (hg19) VCF-style: chr2-238285426-G-T.
Other names: c.1838C>A, p.Ala613Glu (NM_057164.5); c.2441C>A, p.Ala814Glu (NM_057165.5, NM_057167.4); c.1238C>A, p.Ala413Glu (NM_057166.5); short protein forms A413E, A814E, A1020E, A613E.
Identifiers: ClinVar variation 4743780 (VCV004743780.1).

ClinVar aggregate classification (germline): Uncertain significance (1 of 4 stars; one submission).

Conditions:
Bethlem myopathy 1A. Also called: MYOPATHY, BENIGN CONGENITAL, WITH CONTRACTURES; Bethlem myopathy 1; Bethlem Muscular Dystrophy. Identifiers: Orphanet 610, MedGen CN029274, MONDO:0024530, OMIM 158810.

Submission:

Labcorp Genetics (formerly Invitae), Labcorp
Classification: Uncertain significance for Bethlem myopathy 1A. Last evaluated: 2025-06-30. Review status: criteria provided, single submitter. Criteria: Invitae Variant Classification Sherloc (09022015). Collection method: clinical testing. Allele origin: germline.
Comment: This sequence change replaces alanine, which is neutral and non-polar, with glutamic acid, which is acidic and polar, at codon 1020 of the COL6A3 protein (p.Ala1020Glu). This variant is not present in population databases (gnomAD no frequency). This variant has not been reported in the literature in individuals affected with COL6A3-related conditions. Invitae Evidence Modeling of protein sequence and biophysical properties (such as structural, functional, and spatial information, amino acid conservation, physicochemical variation, residue mobility, and thermodynamic stability) indicates that this missense variant is not expected to disrupt COL6A3 protein function with a negative predictive value of 80%. In summary, the available evidence is currently insufficient to determine the role of this variant in disease. Therefore, it has been classified as a Variant of Uncertain Significance.